The following is an entry in ClinVar:

NM_000059.4(BRCA2):c.2731del (p.Glu911fs)

Gene: BRCA2 (BRCA2 DNA repair associated; plus strand). Cytogenetic location: 13q13.1.
Variant type: Deletion.
Coding change: c.2731del on transcript NM_000059.4 (MANE Select); coding-DNA position 2731, one base deleted (G; older notation c.2731delG).
Protein change: p.Glu911fs; shifts the reading frame from glutamic acid 911.
Molecular consequence: frameshift variant.
Genome position (GRCh38, 1-based): chr13:32,337,086, G deleted. VCF-style (leftmost placement, unchanged base first): chr13-32337085-TG-T. GRCh37 (hg19) VCF-style: chr13-32911222-TG-T.
Other names: 2959delG; c.2731delG (NM_000059.3); short protein forms E911fs.
Identifiers: ClinVar variation 51332 (VCV000051332.19), dbSNP rs80359344, ClinGen allele CA016174.

ClinVar aggregate classification (germline): Pathogenic. Review status: reviewed by expert panel (3 of 4 stars). 7 submissions from 7 submitters: Pathogenic (1). 6 of the submissions do not count toward it. Last evaluated 2016-09-08.

Conditions:
Hereditary breast ovarian cancer syndrome. Also called: Hereditary breast and ovarian cancer syndrome; Hereditary breast and ovarian cancer; Hereditary breast and ovarian cancer syndrome (HBOC); Breast and ovarian cancer; Hereditary breast and/or ovarian cancer syndrome; BRCA1- and BRCA2-Associated Hereditary Breast and Ovarian Cancer. Identifiers: Orphanet 145, MedGen C0677776, MeSH D061325, MONDO:0003582. Disease mechanism: loss of function.
Breast-ovarian cancer, familial, susceptibility to, 2 (BROVCA2). Also called: BRCA2 Hereditary Breast and Ovarian Cancer. Identifiers: Orphanet 145, MedGen C2675520, MONDO:0012933, OMIM 612555. Disease mechanism: loss of function.
Hereditary cancer-predisposing syndrome. Also called: Neoplastic Syndromes, Hereditary; Tumor predisposition; Hereditary Cancer Syndrome; Hereditary neoplastic syndrome. Identifiers: Orphanet 140162, MedGen C0027672, MeSH D009386, MONDO:0015356.

Submissions (7):

Evidence-based Network for the Interpretation of Germline Mutant Alleles (ENIGMA)
Classification: Pathogenic for Breast-ovarian cancer, familial, susceptibility to, 2. Last evaluated: 2016-09-08. Review status: reviewed by expert panel. Criteria: ENIGMA BRCA1/2 Classification Criteria (2015). Collection method: curation. Allele origin: germline.
Comment: Variant allele predicted to encode a truncated non-functional protein.

Color Diagnostics, LLC DBA Color Health
Classification: Pathogenic for Hereditary cancer-predisposing syndrome. Last evaluated: 2020-06-02. Review status: criteria provided, single submitter. Criteria: ACMG Guidelines, 2015. Collection method: clinical testing. Allele origin: germline. Not counted in ClinVar's aggregate classification.
Comment: This variant deletes 1 nucleotide in exon 11 of the BRCA2 gene, creating a frameshift and premature translation stop signal. This variant is expected to result in an absent or non-functional protein product. This variant has been reported in one hereditary breast and ovarian cancer (HBOC) family (PMID 15131399). This variant has not been identified in the general population by the Genome Aggregation Database (gnomAD). Loss of BRCA2 function is a known mechanism of disease. Based on the available evidence, this variant is classified as Pathogenic.

Labcorp Genetics (formerly Invitae), Labcorp
Classification: Pathogenic for Hereditary breast ovarian cancer syndrome. Last evaluated: 2020-01-20. Review status: criteria provided, single submitter. Criteria: Invitae Variant Classification Sherloc (09022015). Collection method: clinical testing. Allele origin: germline. Not counted in ClinVar's aggregate classification.
Comment: This variant has been observed in individual(s) with clinical features of hereditary breast and ovarian cancer (HBOC) syndrome (PMID: 15131399). This variant is also known as 2959delG in the literature. ClinVar contains an entry for this variant (Variation ID: 51332). This variant is not present in population databases (ExAC no frequency). This sequence change creates a premature translational stop signal (p.Glu911Lysfs*4) in the BRCA2 gene. It is expected to result in an absent or disrupted protein product. Loss-of-function variants in BRCA2 are known to be pathogenic (PMID: 20104584). For these reasons, this variant has been classified as Pathogenic.

Ambry Genetics
Classification: Pathogenic for Hereditary cancer-predisposing syndrome. Last evaluated: 2016-11-14. Review status: criteria provided, single submitter. Criteria: Ambry Variant Classification Scheme 2023. Collection method: clinical testing. Allele origin: germline. Not counted in ClinVar's aggregate classification.
Comment: The c.2731delG pathogenic mutation, located in coding exon 10 of the BRCA2 gene, results from a deletion of one nucleotide at nucleotide position 2731, causing a translational frameshift with a predicted alternate stop codon. This mutation (designated as 2959delG) has been reported in one family with Hereditary Breast and Ovarian Cancer (Lubinski J et al. Fam. Cancer 2004;3:1-10). In addition to the clinical data presented in the literature, this alteration is expected to result in loss of function by premature protein truncation or nonsense-mediated mRNA decay. As such, this alteration is interpreted as a disease-causing mutation.

Women's Health and Genetics/Laboratory Corporation of America, LabCorp
Classification: Likely pathogenic for Hereditary breast ovarian cancer syndrome. Last evaluated: 2016-09-09. Review status: criteria provided, single submitter. Criteria: LabCorp Variant Classification Summary - May 2015. Collection method: clinical testing. Allele origin: germline. Not counted in ClinVar's aggregate classification.
Comment: Variant summary: The BRCA2 c.2731delG (p.Glu911Lysfs) variant results in a premature termination codon, predicted to cause a truncated or absent BRCA2 protein due to nonsense mediated decay, which are commonly known mechanisms for disease. Truncations downstream of this position have been classified as pathogenic by our laboratory (e.g.c.2808delA/p.K936fs). One in silico tool predicts a damaging outcome for this variant. This variant is absent in 120768 control chromosomes and has been reported in at-least one out of 440 families with known BRCA2 mutations. In addition, multiple reputable databases classified this variant as pathogenic. Taken together, this variant is classified as likely pathogenic until additional reports of its presence among unrelated probands with HBOC and supporting experimental data are obtained.

Research Molecular Genetics Laboratory, Women's College Hospital, University of Toronto
Classification: Pathogenic for Hereditary breast ovarian cancer syndrome. Last evaluated: 2014-01-31. Review status: no assertion criteria provided. Collection method: research. Allele origin: germline. Affected: yes. Study: The Canadian Open Genetics Repository (COGR). Not counted in ClinVar's aggregate classification.

Breast Cancer Information Core (BIC) (BRCA2)
Classification: Pathogenic for Breast-ovarian cancer, familial 2. Last evaluated: 1998-03-04. Review status: no assertion criteria provided. Collection method: clinical testing. Allele origin: germline. Affected: yes. Observed: 1 variant allele. Not counted in ClinVar's aggregate classification.

Literature cited by the submitters: PubMed 15131399 (cited by 3 submitters); PubMed 20104584 (cited by Labcorp Genetics (formerly Invitae), Labcorp).